The following is an entry in ClinVar:

ClinVar aggregate classification (germline): Likely pathogenic (1 of 4 stars; one submission).

Conditions:
Early-infantile DEE. Also called: Early infantile epileptic encephalopathy; Early infantile epileptic encephalopathy with suppression bursts; Ohtahara syndrome. Identifiers: Orphanet 1934, MedGen C0393706, MONDO:0800491.

Submission:

Labcorp Genetics (formerly Invitae), Labcorp
Classification: Likely pathogenic for Early-infantile DEE. Last evaluated: 2023-09-29. Review status: criteria provided, single submitter. Criteria: Invitae Variant Classification Sherloc (09022015). Collection method: clinical testing. Allele origin: germline.
Comment: This sequence change replaces alanine, which is neutral and non-polar, with valine, which is neutral and non-polar, at codon 294 of the HCN1 protein (p.Ala294Val). This variant is not present in population databases (gnomAD no frequency). This missense change has been observed in individual(s) with HCN1-related conditions (Invitae). In at least one individual the variant was observed to be de novo. Advanced modeling of protein sequence and biophysical properties (such as structural, functional, and spatial information, amino acid conservation, physicochemical variation, residue mobility, and thermodynamic stability) has been performed at Invitae for this missense variant, however the output from this modeling did not meet the statistical confidence thresholds required to predict the impact of this variant on HCN1 protein function. In summary, the currently available evidence indicates that the variant is pathogenic, but additional data are needed to prove that conclusively. Therefore, this variant has been classified as Likely Pathogenic.

NM_021072.4(HCN1):c.881C>T (p.Ala294Val)

Gene: HCN1 (hyperpolarization activated cyclic nucleotide gated potassium channel 1; minus strand). Cytogenetic location: 5p12.
Variant type: single nucleotide variant.
Coding change: c.881C>T on transcript NM_021072.4 (MANE Select); coding-DNA position 881, C replaced by T.
Protein change: p.Ala294Val; replaces alanine 294 with valine.
Molecular consequence: missense variant.
Genome position (GRCh38, 1-based): chr5:45,461,976, G>A on the plus strand (C>T on the coding strand, the complement: HCN1 is on the minus strand). VCF-style: chr5-45461976-G-A. GRCh37 (hg19) VCF-style: chr5-45462078-G-A.
Other names: short protein forms A294V.
Identifiers: ClinVar variation 2833978 (VCV002833978.3), dbSNP rs2478145468, ClinGen allele CA359705041.